The following is an entry in ClinVar:

Single allele

Gene: SPAST (spastin; plus strand). Cytogenetic location: 2p22.3.
Variant type: Deletion.
Identifiers: ClinVar variation 2684159 (VCV002684159.1).

ClinVar aggregate classification (germline): Pathogenic (1 of 4 stars; one submission).

Submission:

Athena Diagnostics
Classification: Pathogenic. Last evaluated: 2023-06-20. Review status: criteria provided, single submitter. Criteria: Athena Diagnostics Criteria. Collection method: clinical testing. Allele origin: unknown.
Comment: Similar deletions of exon 16 have been identified in multiple unrelated individuals with clinical features associated with this gene. This variant has not been reported in large, multi-ethnic general populations (Genome Aggregation Database (gnomAD), Cambridge, MA (URL)). The variant is located in a region that is considered important for protein function and/or structure.

Literature cited by the submitters: PubMed 24824479; PubMed 17098887; PubMed 25065914.